The following is an entry in ClinVar:

NM_000987.5(RPL26):c.-5-2A>G

Gene: RPL26 (ribosomal protein L26; minus strand). Cytogenetic location: 17p13.1.
Variant type: single nucleotide variant.
Coding change: c.-5-2A>G on transcript NM_000987.5 (MANE Select); the canonical splice acceptor site of the intron before 5 bases upstream of the start codon, A replaced by G.
Molecular consequence: splice acceptor variant.
Genome position (GRCh38, 1-based): chr17:8,382,317, T>C on the plus strand (A>G on the coding strand, the complement: RPL26 is on the minus strand). VCF-style: chr17-8382317-T-C. GRCh37 (hg19) VCF-style: chr17-8285635-T-C.
Other names: c.-5-2A>G (NM_001315531.2, NM_001315530.2).
Identifiers: ClinVar variation 2627099 (VCV002627099.2), dbSNP rs2544009466, ClinGen allele CA2825002660.
Genomic context (GRCh38, chr17:8,382,317, plus strand): 5'-ATGCCTTTTGCGATTCTTGCTTCGGTCGGAAGTCACAAAGGGATTAAACTTCATTTTGGC[T>C]AAATAAAAAGTTAAAAAGACTCTTAAATGACCAAAATCTCATCCAGCTTCCAAACAAATA-3'

ClinVar aggregate classification (germline): Likely pathogenic. Review status: criteria provided, multiple submitters, no conflicts (2 of 4 stars). 2 submissions from 2 submitters: Likely pathogenic (2). Last evaluated 2026-04-28.

Conditions:
Diamond-Blackfan anemia 11 (DBA11). Also called: RPL26-Related Diamond-Blackfan Anemia. Identifiers: Orphanet 124, MedGen C3554042, MONDO:0013964, OMIM 614900.

Submissions (2):

Wales Gene Park, Division Of Cancer and Genetics, Cardiff University
Classification: Likely pathogenic for Diamond-Blackfan anemia 11. Last evaluated: 2026-04-28. Review status: criteria provided, single submitter. Criteria: ACGS Best Practice Guidelines for Variant Classification in Rare Disease 2024. Collection method: research. Allele origin: de novo. Inheritance: Autosomal dominant inheritance. Affected: yes. Study: 100,000 Genomes Project (Wales).
Comment: De novo RPL26 splice acceptor variant detected by trio genome sequencing. Not present in gnomAD (v4.1.1). Phenotype consistent with gene but not highly specific. Evidence codes: PVS1_moderate, PM2, PS2_moderate.

Centre de Biologie Pathologie Génétique, Centre Hospitalier Universitaire de Lille
Classification: Likely pathogenic for Diamond-Blackfan anemia 11. Last evaluated: 2023-01-01. Review status: criteria provided, single submitter. Criteria: ACMG Guidelines, 2015. Collection method: clinical testing. Allele origin: de novo. Affected: yes.